The following is an entry in ClinVar:

NM_001999.4(FBN2):c.5176G>A (p.Val1726Ile)

Gene: FBN2 (fibrillin 2; minus strand). Cytogenetic location: 5q23.3.
Variant type: single nucleotide variant.
Coding change: c.5176G>A on transcript NM_001999.4 (MANE Select); coding-DNA position 5176, G replaced by A.
Protein change: p.Val1726Ile; replaces valine 1726 with isoleucine.
Molecular consequence: missense variant.
Genome position (GRCh38, 1-based): chr5:128,310,007, C>T on the plus strand (G>A on the coding strand, the complement: FBN2 is on the minus strand). VCF-style: chr5-128310007-C-T. GRCh37 (hg19) VCF-style: chr5-127645699-C-T.
Other names: short protein forms V1726I.
Identifiers: ClinVar variation 1745824 (VCV001745824.2), dbSNP rs772682406, ClinGen allele CA3394768.

ClinVar aggregate classification (germline): Uncertain significance (1 of 4 stars; one submission).

Conditions:
Familial thoracic aortic aneurysm and aortic dissection (TAAD). Also called: Thoracic aortic aneurysms and dissections. Identifiers: Orphanet 91387, MedGen C4707243, MONDO:0019625.

Allele frequency attached by ClinVar (database versions not stated): gnomAD exomes below 0.00001; TOPMed below 0.00001; ExAC 0.00001; gnomAD 0.00001.
gnomAD v4.1: 4 of 1,613,836 alleles (0.00025%); highest among the groups gnomAD compares: African/African-American, 0.0027%; no homozygotes.

Submission:

Ambry Genetics
Classification: Uncertain significance for Familial thoracic aortic aneurysm and aortic dissection. Last evaluated: 2020-01-02. Review status: criteria provided, single submitter. Criteria: Ambry Variant Classification Scheme 2023. Collection method: clinical testing. Allele origin: germline.
Comment: The p.V1726I variant (also known as c.5176G>A), located in coding exon 40 of the FBN2 gene, results from a G to A substitution at nucleotide position 5176. The valine at codon 1726 is replaced by isoleucine, an amino acid with highly similar properties, and is located in the TGFBP #05 domain. This amino acid position is well conserved in available vertebrate species; however, isoleucine is the reference amino acid in other vertebrate species. In addition, this alteration is predicted to be tolerated by in silico analysis. Since supporting evidence is limited at this time, the clinical significance of this alteration remains unclear.